The following is an entry in ClinVar:

NM_016030.6(TRAPPC12):c.426C>T (p.Ser142=)

Gene: TRAPPC12 (trafficking protein particle complex subunit 12; plus strand). Cytogenetic location: 2p25.3.
Variant type: single nucleotide variant.
Coding change: c.426C>T on transcript NM_016030.6 (MANE Select); coding-DNA position 426, C replaced by T.
Protein change: p.Ser142=; no amino-acid change (serine 142 retained).
Molecular consequence: synonymous variant.
Genome position (GRCh38, 1-based): chr2:3,388,049, C>T. VCF-style: chr2-3388049-C-T. GRCh37 (hg19) VCF-style: chr2-3391820-C-T.
Other names: c.426C>T, p.Ser142= (NM_001321102.2).
Identifiers: ClinVar variation 3033106 (VCV003033106.2), dbSNP rs762689919, ClinGen allele CA1515081.
Genomic context (GRCh38, chr2:3,388,049, plus strand): 5'-CGCGGCACCCAGTAGCGGAGGGGCCCCGAGGCAGGACGCGGCCCGCGAGGTCCCAGGCAG[C>T]GAAGCCGCGCGCCCGGAGCAGGAGCCTCCCGTTGCGGAGCCGGTCCCGGTGTGCACCATC-3'
Protein context (NP_057114.5, residues 132-152): RQDAAREVPG[Ser142=]EAARPEQEPP

ClinVar aggregate classification (germline): Likely benign (0 of 4 stars; one submission).

Conditions:
TRAPPC12-related disorder. Also called: TRAPPC12-related condition.

Allele frequency attached by ClinVar (database versions not stated): TOPMed 0.00003; gnomAD 0.00007; gnomAD exomes 0.00007; ExAC 0.00015.
gnomAD v4.1: 107 of 1,500,976 alleles (0.0071%); highest among the groups gnomAD compares: Non-Finnish European, 0.0089%; no homozygotes.

Submission:

PreventionGenetics, part of Exact Sciences
Classification: Likely benign for TRAPPC12-related condition. Last evaluated: 2019-11-05. Review status: no assertion criteria provided. Collection method: clinical testing. Allele origin: germline.
Comment: This variant is classified as likely benign based on ACMG/AMP sequence variant interpretation guidelines (Richards et al. 2015 PMID: 25741868, with internal and published modifications).